The following is an entry in ClinVar:

ClinVar aggregate classification (germline): Pathogenic/Likely pathogenic. Review status: criteria provided, multiple submitters, no conflicts (2 of 4 stars). 2 submissions from 2 submitters: Pathogenic (1); Likely pathogenic (1). Last evaluated 2023-06-20.

Conditions:
Leukodystrophy, hypomyelinating, 6. Also called: TUBB4A-Associated Leukodystrophy; LEUKODYSTROPHY, HYPOMYELINATING, WITH ATROPHY OF THE BASAL GANGLIA AND CEREBELLUM; Hypomyelination with Atrophy of Basal Ganglia and Cerebellum (H-ABC). Identifiers: Orphanet 139441, MedGen C2676244, MONDO:0012905, OMIM 612438.

Submissions (2):

Labcorp Genetics (formerly Invitae), Labcorp
Classification: Pathogenic for Leukodystrophy, hypomyelinating, 6. Last evaluated: 2023-06-20. Review status: criteria provided, single submitter. Criteria: Invitae Variant Classification Sherloc (09022015). Collection method: clinical testing. Allele origin: germline.
Comment: For these reasons, this variant has been classified as Pathogenic. Advanced modeling of protein sequence and biophysical properties (such as structural, functional, and spatial information, amino acid conservation, physicochemical variation, residue mobility, and thermodynamic stability) performed at Invitae indicates that this missense variant is expected to disrupt TUBB4A protein function. ClinVar contains an entry for this variant (Variation ID: 209201). This missense change has been observed in individual(s) with hypomyelinating leukodystrophy (PMID: 24785942, 32581362, 33597727). In at least one individual the variant was observed to be de novo. This variant is not present in population databases (gnomAD no frequency). This sequence change replaces methionine, which is neutral and non-polar, with isoleucine, which is neutral and non-polar, at codon 388 of the TUBB4A protein (p.Met388Ile).

Baylor Genetics
Classification: Likely pathogenic for Leukodystrophy, hypomyelinating, 6. Last evaluated: 2014-11-05. Review status: criteria provided, single submitter. Criteria: Yang et al. 2013. Collection method: clinical testing. Allele origin: de novo. Inheritance: Autosomal dominant inheritance. Affected: yes. Observed: 1 variant allele, 1 heterozygote. Study: Adult_WES.

Literature cited by the submitters: PubMed 24785942 (cited by Labcorp Genetics (formerly Invitae), Labcorp); PubMed 32581362 (cited by Labcorp Genetics (formerly Invitae), Labcorp); PubMed 33597727 (cited by Labcorp Genetics (formerly Invitae), Labcorp); PubMed 26633545 (cited by Baylor Genetics).

NM_006087.4(TUBB4A):c.1164G>C (p.Met388Ile)

Gene: TUBB4A (tubulin beta 4A class IVa; minus strand). Cytogenetic location: 19p13.3.
Variant type: single nucleotide variant.
Coding change: c.1164G>C on transcript NM_006087.4 (MANE Select); coding-DNA position 1164, G replaced by C.
Protein change: p.Met388Ile; replaces methionine 388 with isoleucine.
Molecular consequence: missense variant.
Genome position (GRCh38, 1-based): chr19:6,495,335, C>G on the plus strand (G>C on the coding strand, the complement: TUBB4A is on the minus strand). VCF-style: chr19-6495335-C-G. GRCh37 (hg19) VCF-style: chr19-6495346-C-G.
Other names: c.1317G>C, p.Met439Ile (NM_001289123.2); c.1299G>C, p.Met433Ile (NM_001289127.2); c.1164G>C, p.Met388Ile (NM_001289129.2); c.948G>C, p.Met316Ile (NM_001289130.2, NM_001289131.2); short protein forms M388I, M439I, M316I, M433I.
Identifiers: ClinVar variation 209201 (VCV000209201.5), dbSNP rs797045074, ClinGen allele CA250401.
Genomic context (GRCh38, chr19:6,495,335, plus strand): 5'-GAACTCCATCTCGTCCATGCCCTCGCCCGTGTACCAGTGCAAGAAGGCCTTGCGCCGGAA[C>G]ATGGCCGTGAACTGCTCGGAGATGCGCTTGAACAGCTCCTGGATGGCCGTGCTGTTGCCG-3'
Protein context (NP_006078.2, residues 378-398): FKRISEQFTA[Met388Ile]FRRKAFLHWY